The following is an entry in ClinVar:

NM_138927.4(SON):c.4972C>T (p.Pro1658Ser)

Gene: SON (SON DNA and RNA binding protein; plus strand). Cytogenetic location: 21q22.11.
Variant type: single nucleotide variant.
Coding change: c.4972C>T on transcript NM_138927.4 (MANE Select); coding-DNA position 4972, C replaced by T.
Protein change: p.Pro1658Ser; replaces proline 1658 with serine.
Molecular consequence: missense variant. On other transcripts: non-coding transcript variant (1), intron variant (1).
Genome position (GRCh38, 1-based): chr21:33,554,203, C>T. VCF-style: chr21-33554203-C-T. GRCh37 (hg19) VCF-style: chr21-34926509-C-T.
Other names: c.4972C>T, p.Pro1658Ser (NM_001291411.2, NM_032195.3); c.245-2953C>T (NM_001291412.3); short protein forms P1658S.
Identifiers: ClinVar variation 1030015 (VCV001030015.4), dbSNP rs2085897193, ClinGen allele CA410163779.
Genomic context (GRCh38, chr21:33,554,203, plus strand): 5'-GAACATGACATGGTAATTTCCACCAGTCCTAGTGGTGGTAGTGAAGCTGACATTGAAGGG[C>T]CTTTGCCTGCTAAAGATATTCATCTTGATTTACCATCTAATAATAACCTTGTTAGTAAGG-3'
Protein context (NP_620305.3, residues 1648-1668): SGGSEADIEG[Pro1658Ser]LPAKDIHLDL

ClinVar aggregate classification (germline): Uncertain significance. Review status: criteria provided, multiple submitters, no conflicts (2 of 4 stars). 2 submissions from 2 submitters: Uncertain significance (2). Last evaluated 2021-02-10.

Conditions:
ZTTK syndrome (ZTTKS). Also called: ZTTK MULTIPLE CONGENITAL ANOMALIES-MENTAL RETARDATION SYNDROME; Zhu-Tokita-Takenouchi-Kim Syndrome. Identifiers: Orphanet 500150, MedGen C4310696, MONDO:0014936, OMIM 617140.

Submissions (2):

Revvity Omics, Revvity
Classification: Uncertain significance for ZTTK syndrome. Last evaluated: 2021-02-10. Review status: criteria provided, single submitter. Criteria: ACMG Guidelines, 2015. Collection method: clinical testing. Allele origin: germline.

Baylor Genetics
Classification: Uncertain significance for ZTTK syndrome. Last evaluated: 2020-06-03. Review status: criteria provided, single submitter. Criteria: ACMG Guidelines, 2015. Collection method: clinical testing. Allele origin: unknown. Affected: yes.
Comment: This variant was determined to be of uncertain significance according to ACMG Guidelines, 2015 [PMID:25741868].